The following is an entry in ClinVar:

NM_000392.5(ABCC2):c.4545C>T (p.Cys1515=)

Gene: ABCC2 (ATP binding cassette subfamily C member 2; plus strand). Cytogenetic location: 10q24.2.
Variant type: single nucleotide variant.
Coding change: c.4545C>T on transcript NM_000392.5 (MANE Select); coding-DNA position 4545, C replaced by T.
Protein change: p.Cys1515=; no amino-acid change (cysteine 1515 retained).
Molecular consequence: synonymous variant.
Genome position (GRCh38, 1-based): chr10:99,851,538, C>T. VCF-style: chr10-99851538-C-T. GRCh37 (hg19) VCF-style: chr10-101611295-C-T.
Other names: c.4545C>T (NM_000392.4).
Identifiers: ClinVar variation 2983159 (VCV002983159.5), dbSNP rs372221992, ClinGen allele CA5644185.

ClinVar aggregate classification (germline): Likely benign. Review status: criteria provided, single submitter (1 of 4 stars). 2 submissions from 2 submitters: Likely benign (1). 1 of the submissions does not count toward it. Last evaluated 2023-11-22.

Conditions:
ABCC2-related disorder. Also called: ABCC2-related condition.

Allele frequency attached by ClinVar (database versions not stated): gnomAD exomes 0.00002; TOPMed 0.00003; gnomAD 0.00005; ExAC 0.00006; ESP Exome Variant Server 0.00008; 1000 Genomes Project 30x 0.00031; 1000 Genomes Project 0.00040.
gnomAD v4.1: 33 of 1,613,966 alleles (0.002%); highest among the groups gnomAD compares: African/African-American, 0.012%; no homozygotes.

Submissions (2):

Labcorp Genetics (formerly Invitae), Labcorp
Classification: Likely benign. Last evaluated: 2023-11-22. Review status: criteria provided, single submitter. Criteria: Invitae Variant Classification Sherloc (09022015). Collection method: clinical testing. Allele origin: germline.

PreventionGenetics, part of Exact Sciences
Classification: Likely benign for ABCC2-related condition. Last evaluated: 2024-01-10. Review status: no assertion criteria provided. Collection method: clinical testing. Allele origin: germline. Not counted in ClinVar's aggregate classification.
Comment: This variant is classified as likely benign based on ACMG/AMP sequence variant interpretation guidelines (Richards et al. 2015 PMID: 25741868, with internal and published modifications).